The following is an entry in ClinVar:

ClinVar aggregate classification (germline): Pathogenic (1 of 4 stars; one submission).

Submission:

GeneDx
Classification: Pathogenic. Last evaluated: 2022-07-25. Review status: criteria provided, single submitter. Criteria: GeneDx Variant Classification Process June 2021. Collection method: clinical testing. Allele origin: germline. Affected: yes.
Comment: Affects a glycine residue in a Gly-X-Y motif in the triple helical region of the COL4A1 gene, where the majority of pathogenic missense variants occur, and is predicted to disrupt normal protein folding and function (HGMD; Weng et al., 2012; Yoneda et al., 2013); Not observed at significant frequency in large population cohorts (gnomAD); In silico analysis supports that this missense variant has a deleterious effect on protein structure/function; Has not been previously published as pathogenic or benign to our knowledge; This variant is associated with the following publications: (PMID: 22522439, 23225343)

NM_001845.6(COL4A1):c.2771G>A (p.Gly924Asp)

Gene: COL4A1 (collagen type IV alpha 1 chain; minus strand). Cytogenetic location: 13q34.
Variant type: single nucleotide variant.
Coding change: c.2771G>A on transcript NM_001845.6 (MANE Select); coding-DNA position 2771, G replaced by A.
Protein change: p.Gly924Asp; replaces glycine 924 with aspartic acid.
Molecular consequence: missense variant.
Genome position (GRCh38, 1-based): chr13:110,176,983, C>T on the plus strand (G>A on the coding strand, the complement: COL4A1 is on the minus strand). VCF-style: chr13-110176983-C-T. GRCh37 (hg19) VCF-style: chr13-110829330-C-T.
Other names: short protein forms G924D.
Identifiers: ClinVar variation 1698009 (VCV001698009.2), dbSNP rs2139163087, ClinGen allele CA388667118.